The following is an entry in ClinVar:

ClinVar aggregate classification (germline): Uncertain significance (1 of 4 stars; one submission).

Submission:

Labcorp Genetics (formerly Invitae), Labcorp
Classification: Uncertain significance. Last evaluated: 2021-12-08. Review status: criteria provided, single submitter. Criteria: Invitae Variant Classification Sherloc (09022015). Collection method: clinical testing. Allele origin: germline.
Comment: In summary, the available evidence is currently insufficient to determine the role of this variant in disease. Therefore, it has been classified as a Variant of Uncertain Significance. Experimental studies and prediction algorithms are not available or were not evaluated, and the functional significance of this variant is currently unknown. This variant has not been reported in the literature in individuals affected with IL23R-related conditions. This variant is a gross deletion of the genomic region encompassing exon(s) 10 of the IL23R gene. While this deletion is not anticipated to lead to nonsense mediated decay, it is expected to disrupt the C-terminus of the protein.

NC_000001.10:g.(?_67721500)_(67721630_?)del

Gene: IL23R (interleukin 23 receptor; plus strand). Cytogenetic location: 1p31.3.
Variant type: Deletion.
Identifiers: ClinVar variation 2427313 (VCV002427313.4).